The following is an entry in ClinVar:

NM_007180.3(TREH):c.262G>A (p.Ala88Thr)

Gene: TREH (trehalase; minus strand). Cytogenetic location: 11q23.3.
Variant type: single nucleotide variant.
Coding change: c.262G>A on transcript NM_007180.3 (MANE Select); coding-DNA position 262, G replaced by A.
Protein change: p.Ala88Thr; replaces alanine 88 with threonine.
Molecular consequence: missense variant.
Genome position (GRCh38, 1-based): chr11:118,663,125, C>T on the plus strand (G>A on the coding strand, the complement: TREH is on the minus strand). VCF-style: chr11-118663125-C-T. GRCh37 (hg19) VCF-style: chr11-118533834-C-T.
Other names: c.262G>A, p.Ala88Thr (NM_001301065.2); short protein forms A88T.
Identifiers: ClinVar variation 3770771 (VCV003770771.13).

ClinVar aggregate classification (germline): Likely benign (1 of 4 stars; one submission).

gnomAD v4.1: 462 of 1,613,982 alleles (0.029%); highest among the groups gnomAD compares: South Asian, 0.21%; 5 homozygotes.

Submission:

CeGaT Center for Human Genetics Tuebingen
Classification: Likely benign. Last evaluated: 2025-01-01. Review status: criteria provided, single submitter. Criteria: CeGaT Center For Human Genetics Tuebingen Variant Classification Criteria Version 2. Collection method: clinical testing. Allele origin: germline. Affected: yes. Observed: 2 variant alleles.
Comment: TREH: BP4, BS2